The following is an entry in ClinVar:

NM_005708.5(GPC6):c.*338A>C

Gene: GPC6 (glypican 6; plus strand). Cytogenetic location: 13q32.1.
Variant type: single nucleotide variant.
Coding change: c.*338A>C on transcript NM_005708.5 (MANE Select); 338 bases downstream of the stop codon, A replaced by C.
Molecular consequence: 3 prime UTR variant.
Genome position (GRCh38, 1-based): chr13:94,403,555, A>C. VCF-style: chr13-94403555-A-C. GRCh37 (hg19) VCF-style: chr13-95055809-A-C.
Identifiers: ClinVar variation 312563 (VCV000312563.5), dbSNP rs7327686, ClinGen allele CA10639777.

ClinVar aggregate classification (germline): Benign (1 of 4 stars; one submission).

Conditions:
Autosomal recessive omodysplasia (OMOD1). Also called: MICROMELIC DYSPLASIA, CONGENITAL, WITH DISLOCATION OF RADIUS. Identifiers: Orphanet 2733, Orphanet 93329, MedGen C1850318, MONDO:0009779, OMIM 258315.

Allele frequency attached by ClinVar (database versions not stated): gnomAD exomes 0.00276; gnomAD 0.01975 and 0.02117; TOPMed 0.02275; 1000 Genomes Project 0.02296; 1000 Genomes Project 30x 0.02420.
gnomAD v4.1: 3,357 of 290,122 alleles (1.2%); highest among the groups gnomAD compares: African/African-American, 6.8%; 126 homozygotes.

Submission:

Illumina Laboratory Services, Illumina
Classification: Benign for Autosomal recessive omodysplasia. Last evaluated: 2018-01-12. Review status: criteria provided, single submitter. Criteria: ICSL Variant Classification Criteria 13 December 2019. Collection method: clinical testing. Allele origin: germline.
Comment: This variant was observed in the ICSL laboratory as part of a predisposition screen in an ostensibly healthy population. It had not been previously curated by ICSL or reported in the Human Gene Mutation Database (HGMD: prior to June 1st, 2018), and was therefore a candidate for classification through an automated scoring system. Utilizing variant allele frequency, disease prevalence and penetrance estimates, and inheritance mode, an automated score was calculated to assess if this variant is too frequent to cause the disease. Based on the score and internal cut-off values, a variant classified as benign is not then subjected to further curation. The score for this variant resulted in a classification of benign for this disease.